The following is an entry in ClinVar:

ClinVar aggregate classification (germline): Benign (1 of 4 stars; one submission).

Allele frequency attached by ClinVar (database versions not stated): gnomAD exomes 0.00770; gnomAD 0.06940 and 0.07502; 1000 Genomes Project 0.07069; 1000 Genomes Project 30x 0.07370; TOPMed 0.07718.
gnomAD v4.1: 14,299 of 619,782 alleles (2.3%); highest among the groups gnomAD compares: African/African-American, 24%; 1,618 homozygotes.

Submission:

GeneDx
Classification: Benign. Last evaluated: 2018-06-18. Review status: criteria provided, single submitter. Criteria: GeneDx Variant Classification (06012015). Collection method: clinical testing. Allele origin: germline. Affected: yes.
Comment: This variant is considered likely benign or benign based on one or more of the following criteria: it is a conservative change, it occurs at a poorly conserved position in the protein, it is predicted to be benign by multiple in silico algorithms, and/or has population frequency not consistent with disease.

NM_213599.3(ANO5):c.2415-148A>G

Gene: ANO5 (anoctamin 5; plus strand). Cytogenetic location: 11p14.3.
Variant type: single nucleotide variant.
Coding change: c.2415-148A>G on transcript NM_213599.3 (MANE Select); 148 bases into the intron before coding-DNA position 2415, A replaced by G.
Molecular consequence: intron variant.
Genome position (GRCh38, 1-based): chr11:22,275,946, A>G. VCF-style: chr11-22275946-A-G. GRCh37 (hg19) VCF-style: chr11-22297492-A-G.
Other names: c.2412-148A>G (NM_001142649.2).
Identifiers: ClinVar variation 677995 (VCV000677995.1), dbSNP rs7124079, ClinGen allele CA218777701.